The following is an entry in ClinVar:

NM_022095.4(ZNF335):c.131C>G (p.Ala44Gly)

Gene: ZNF335 (zinc finger protein 335; minus strand). Cytogenetic location: 20q13.12.
Variant type: single nucleotide variant.
Coding change: c.131C>G on transcript NM_022095.4 (MANE Select); coding-DNA position 131, C replaced by G.
Protein change: p.Ala44Gly; replaces alanine 44 with glycine.
Molecular consequence: missense variant.
Genome position (GRCh38, 1-based): chr20:45,971,280, G>C on the plus strand (C>G on the coding strand, the complement: ZNF335 is on the minus strand). VCF-style: chr20-45971280-G-C. GRCh37 (hg19) VCF-style: chr20-44599919-G-C.
Other names: c.131C>G (NM_022095.3); short protein forms A44G.
Identifiers: ClinVar variation 2056625 (VCV002056625.31), dbSNP rs539815742, ClinGen allele CA9886215.
Genomic context (GRCh38, chr20:45,971,280, plus strand): 5'-CTGCCGCGGTCCGAGCTTTGCCCCACGCCAGAGTCATCGGCCTCTGCCTGCCCCGGGGCG[G>C]CCGCGGCGTCGCTGCTGTCGGCGGACACGGCTTCTGAGGTGCCCACACCCAGGCCGCTCT-3'
Protein context (NP_071378.1, residues 34-54): AVSADSSDAA[Ala44Gly]APGQAEADDS

ClinVar aggregate classification (germline): Conflicting classifications of pathogenicity. Review status: criteria provided, conflicting classifications (1 of 4 stars). 5 submissions from 5 submitters: Uncertain significance (3); Likely benign (2). Last evaluated 2026-06-24.

Conditions:
Inborn genetic diseases. Identifiers: MedGen C0950123, MeSH D030342.
ZNF335-related disorder. Also called: ZNF335-related condition.

Allele frequency attached by ClinVar (database versions not stated): gnomAD exomes 0.00009; ExAC 0.00022; 1000 Genomes Project 0.00040; gnomAD 0.00084; TOPMed 0.00088; 1000 Genomes Project 30x 0.00094.
gnomAD v4.1: 258 of 1,577,010 alleles (0.016%); highest among the groups gnomAD compares: African/African-American, 0.28%; no homozygotes.

Submissions (5):

PreventionGenetics, part of Exact Sciences
Classification: Likely benign for ZNF335-related condition. Last evaluated: 2026-06-24. Review status: criteria provided, single submitter. Criteria: ACMG Guidelines, 2015. Collection method: clinical testing. Allele origin: germline.
Comment: This variant is classified as likely benign based on ACMG/AMP sequence variant interpretation guidelines (Richards et al. 2015 PMID: 25741868, with internal and published modifications).

Labcorp Genetics (formerly Invitae), Labcorp
Classification: Likely benign. Last evaluated: 2025-12-09. Review status: criteria provided, single submitter. Criteria: Invitae Variant Classification Sherloc (09022015). Collection method: clinical testing. Allele origin: germline.

Ambry Genetics
Classification: Uncertain significance for Inborn genetic diseases. Last evaluated: 2025-03-11. Review status: criteria provided, single submitter. Criteria: Ambry Variant Classification Scheme 2023. Collection method: clinical testing. Allele origin: germline.

CeGaT Center for Human Genetics Tuebingen
Classification: Uncertain significance. Last evaluated: 2023-03-01. Review status: criteria provided, single submitter. Criteria: CeGaT Center For Human Genetics Tuebingen Variant Classification Criteria Version 2. Collection method: clinical testing. Allele origin: germline. Affected: yes. Observed: 1 variant allele.
Comment: ZNF335: PM2, BP4

GeneDx
Classification: Uncertain significance. Last evaluated: 2022-09-27. Review status: criteria provided, single submitter. Criteria: GeneDx Variant Classification Process June 2021. Collection method: clinical testing. Allele origin: germline. Affected: yes.
Comment: In silico analysis supports that this missense variant does not alter protein structure/function; Has not been previously published as pathogenic or benign to our knowledge